The following is an entry in ClinVar:

ClinVar aggregate classification (germline): Uncertain significance (1 of 4 stars; one submission).

Conditions:
Intellectual developmental disorder, autosomal dominant 45. Also called: MENTAL RETARDATION, AUTOSOMAL DOMINANT 45; Intellectual disability, autosomal dominant 45. Identifiers: MedGen C4539848, MONDO:0030910, OMIM 617600.

Submission:

Victorian Clinical Genetics Services, Murdoch Childrens Research Institute
Classification: Uncertain significance for Intellectual developmental disorder, autosomal dominant 45. Last evaluated: 2025-03-16. Review status: criteria provided, single submitter. Criteria: ACMG Guidelines, 2015. Collection method: clinical testing. Allele origin: germline. Affected: yes.
Comment: This variant is classified as VUS-3A. Evidence in support of pathogenic classification: Variant is absent from gnomAD (v2, v3 and v4); Missense variant in a region that is highly intolerant to missense variation (high constraint region in DECIPHER); Additional information: Variant is predicted to result in a missense amino acid change from glutamic acid to lysine; This variant is heterozygous; This gene is associated with autosomal dominant disease; This variant has no previous evidence of pathogenicity; No published segregation evidence has been identified for this variant; No published functional evidence has been identified for this variant; No comparable missense variants have previous evidence for pathogenicity; Missense variant with inconclusive in silico prediction and uninformative conservation; Loss of function is a known mechanism of disease in this gene and is associated with autosomal dominant intellectual developmental disorder 45 (MIM#617600).

NM_001386298.1(CIC):c.1540G>A (p.Glu514Lys)

Gene: CIC (capicua transcriptional repressor; plus strand). Cytogenetic location: 19q13.2.
Variant type: single nucleotide variant.
Coding change: c.1540G>A on transcript NM_001386298.1 (MANE Select); coding-DNA position 1540, G replaced by A.
Protein change: p.Glu514Lys; replaces glutamic acid 514 with lysine.
Molecular consequence: missense variant.
Genome position (GRCh38, 1-based): chr19:42,273,323, G>A. VCF-style: chr19-42273323-G-A. GRCh37 (hg19) VCF-style: chr19-42777475-G-A.
Other names: c.1540G>A, p.Glu514Lys (NM_001439184.1, NM_001439185.1, NM_001439186.1 and 6 more transcripts); short protein forms E514K.
Identifiers: ClinVar variation 4531726 (VCV004531726.1).